The following is an entry in ClinVar:

NM_016580.4(PCDH12):c.240C>G (p.Asp80Glu)

Genes: PCDH12 (protocadherin 12; minus strand), RNF14 (ring finger protein 14; plus strand). Cytogenetic location: 5q31.3.
Variant type: single nucleotide variant.
Coding change: c.240C>G on transcript NM_016580.4 (MANE Select); coding-DNA position 240, C replaced by G.
Protein change: p.Asp80Glu; replaces aspartic acid 80 with glutamic acid.
Molecular consequence: missense variant.
Genome position (GRCh38, 1-based): chr5:141,957,612, G>C on the plus strand (C>G on the coding strand, the complement: PCDH12 is on the minus strand). VCF-style: chr5-141957612-G-C. GRCh37 (hg19) VCF-style: chr5-141337177-G-C.
Other names: p.Asp80Glu; c.240C>G (NM_016580.3); short protein forms D80E.
Identifiers: ClinVar variation 1168749 (VCV001168749.26), dbSNP rs138689340, ClinGen allele CA3484601.

ClinVar aggregate classification (germline): Benign. Review status: criteria provided, multiple submitters, no conflicts (2 of 4 stars). 4 submissions from 4 submitters: Benign (3). 1 of the submissions does not count toward it. Last evaluated 2026-09-01.

Conditions:
PCDH12-related disorder. Also called: PCDH12-related condition.

Allele frequency attached by ClinVar (database versions not stated): 1000 Genomes Project 0.00559; 1000 Genomes Project 30x 0.00609; gnomAD 0.01046 and 0.01052; TOPMed 0.01071; ESP Exome Variant Server 0.01230; gnomAD exomes 0.01241; ExAC 0.01280.
gnomAD v4.1: 21,233 of 1,614,188 alleles (1.3%); highest among the groups gnomAD compares: Middle Eastern, 2.4%; 205 homozygotes.

Submissions (4):

CeGaT Center for Human Genetics Tuebingen
Classification: Benign. Last evaluated: 2026-09-01. Review status: criteria provided, single submitter. Criteria: CeGaT Center For Human Genetics Tuebingen Variant Classification Criteria Version 2. Collection method: clinical testing. Allele origin: germline. Affected: yes. Observed: 10 variant alleles.
Comment: PCDH12: BP4, BS1, BS2

Labcorp Genetics (formerly Invitae), Labcorp
Classification: Benign. Last evaluated: 2026-01-27. Review status: criteria provided, single submitter. Criteria: Invitae Variant Classification Sherloc (09022015). Collection method: clinical testing. Allele origin: germline.

Mayo Clinic Laboratories, Mayo Clinic
Classification: Benign. Last evaluated: 2022-06-24. Review status: criteria provided, single submitter. Criteria: ACMG Guidelines, 2015. Collection method: clinical testing. Allele origin: germline. Observed: 11 variant alleles.
Comment: BS1, BS2, BP4

PreventionGenetics, part of Exact Sciences
Classification: Benign for PCDH12-related condition. Last evaluated: 2019-11-25. Review status: no assertion criteria provided. Collection method: clinical testing. Allele origin: germline. Not counted in ClinVar's aggregate classification.
Comment: This variant is classified as benign based on ACMG/AMP sequence variant interpretation guidelines (Richards et al. 2015 PMID: 25741868, with internal and published modifications).